The following is an entry in ClinVar:

NM_001148.6(ANK2):c.9902A>C (p.Lys3301Thr)

Gene: ANK2 (ankyrin 2; plus strand). Cytogenetic location: 4q26.
Variant type: single nucleotide variant.
Coding change: c.9902A>C on transcript NM_001148.6 (MANE Select); coding-DNA position 9902, A replaced by C.
Protein change: p.Lys3301Thr; replaces lysine 3301 with threonine.
Molecular consequence: missense variant. On other transcripts: intron variant (68).
Genome position (GRCh38, 1-based): chr4:113,358,520, A>C. VCF-style: chr4-113358520-A-C. GRCh37 (hg19) VCF-style: chr4-114279676-A-C.
Other names: c.9668A>C, p.Lys3223Thr (NM_001386142.1); c.6302A>C, p.Lys2101Thr (NM_001386166.1); c.10043A>C, p.Lys3348Thr (NM_001386174.1); c.10019A>C, p.Lys3340Thr (NM_001386175.1); c.4412-2303A>C (NM_001386186.2, NM_001386148.2); c.4214-2303A>C (NM_001354269.3); c.4292-2303A>C (NM_001386187.2); c.4253-2303A>C (NM_001386147.1); and 35 more; short protein forms K2101T, K3223T, K3301T, K3340T, K3348T.
Identifiers: ClinVar variation 4057131 (VCV004057131.1).
Genomic context (GRCh38, chr4:113,358,520, plus strand): 5'-AGAAATCAGTAATCGAGATTCCTACTGCACCCATGGAGAATGTGCCTTTTACTGAAAGCA[A>C]ATCCAAAATTCCTGTAAGGACTATGCCCACTTCCACCCCAGCACCTCCATCTGCAGAGTA-3'
Protein context (NP_001139.3, residues 3291-3311): PMENVPFTES[Lys3301Thr]SKIPVRTMPT

ClinVar aggregate classification (germline): Uncertain significance (1 of 4 stars; one submission).

Submission:

GeneDx
Classification: Uncertain significance. Last evaluated: 2025-01-14. Review status: criteria provided, single submitter. Criteria: GeneDx Variant Classification Process June 2021. Collection method: clinical testing. Allele origin: germline. Affected: yes.
Comment: Not observed at significant frequency in large population cohorts (gnomAD); In silico analysis indicates that this missense variant does not alter protein structure/function; Has not been previously published as pathogenic or benign to our knowledge